The following is an entry in ClinVar:

ClinVar aggregate classification (germline): Uncertain significance (1 of 4 stars; one submission).

Conditions:
Juvenile polyposis syndrome (JPS). Identifiers: Orphanet 2929, MedGen C0345893, MONDO:0017380, OMIM 174900.

Submission:

Labcorp Genetics (formerly Invitae), Labcorp
Classification: Uncertain significance for Juvenile polyposis syndrome. Last evaluated: 2024-05-02. Review status: criteria provided, single submitter. Criteria: Invitae Variant Classification Sherloc (09022015). Collection method: clinical testing. Allele origin: germline.
Comment: This sequence change replaces glutamic acid, which is acidic and polar, with valine, which is neutral and non-polar, at codon 330 of the SMAD4 protein (p.Glu330Val). This variant is not present in population databases (gnomAD no frequency). This missense change has been observed in individual(s) with hereditary hemorrhagic telangiectasia (Invitae). Advanced modeling of protein sequence and biophysical properties (such as structural, functional, and spatial information, amino acid conservation, physicochemical variation, residue mobility, and thermodynamic stability) has been performed at Invitae for this missense variant, however the output from this modeling did not meet the statistical confidence thresholds required to predict the impact of this variant on SMAD4 protein function. This variant disrupts the p.Glu330 amino acid residue in SMAD4. Other variant(s) that disrupt this residue have been observed in individuals with SMAD4-related conditions (PMID: 20101697), which suggests that this may be a clinically significant amino acid residue. In summary, the available evidence is currently insufficient to determine the role of this variant in disease. Therefore, it has been classified as a Variant of Uncertain Significance.

Literature cited by the submitters: PubMed 20101697.

NM_005359.6(SMAD4):c.989A>T (p.Glu330Val)

Gene: SMAD4 (SMAD family member 4; plus strand). Cytogenetic location: 18q21.2.
Variant type: single nucleotide variant.
Coding change: c.989A>T on transcript NM_005359.6 (MANE Select); coding-DNA position 989, A replaced by T.
Protein change: p.Glu330Val; replaces glutamic acid 330 with valine.
Molecular consequence: missense variant. On other transcripts: non-coding transcript variant (2).
Genome position (GRCh38, 1-based): chr18:51,065,456, A>T. VCF-style: chr18-51065456-A-T. GRCh37 (hg19) VCF-style: chr18-48591826-A-T.
Other names: c.989A>T, p.Glu330Val (NM_001407041.1, NM_001407042.1, NM_001407043.1); short protein forms E330V.
Identifiers: ClinVar variation 3637569 (VCV003637569.2).
Genomic context (GRCh38, chr18:51,065,456, plus strand): 5'-ATGTTCTTTCCCATTTATTTCCTATAGCTCCTGAGTATTGGTGTTCCATTGCTTACTTTG[A>T]AATGGATGTTCAGGTAGGAGAGACATTTAAGGTTCCTTCAAGCTGCCCTATTGTTACTGT-3'
Protein context (NP_005350.1, residues 320-340): PEYWCSIAYF[Glu330Val]MDVQVGETFK